The following is an entry in ClinVar:

ClinVar aggregate classification (germline): Pathogenic (1 of 4 stars; one submission).

Submission:

Labcorp Genetics (formerly Invitae), Labcorp
Classification: Pathogenic. Last evaluated: 2023-12-20. Review status: criteria provided, single submitter. Criteria: Invitae Variant Classification Sherloc (09022015). Collection method: clinical testing. Allele origin: germline.
Comment: This sequence change creates a premature translational stop signal (p.Leu1248Serfs*13) in the ADAMTS13 gene. It is expected to result in an absent or disrupted protein product. Loss-of-function variants in ADAMTS13 are known to be pathogenic (PMID: 11586351, 12753286, 21781265). This variant is not present in population databases (gnomAD no frequency). This variant has not been reported in the literature in individuals affected with ADAMTS13-related conditions. For these reasons, this variant has been classified as Pathogenic.

Literature cited by the submitters: PubMed 11586351; PubMed 12753286; PubMed 21781265.

NM_139027.6(ADAMTS13):c.3573del (p.Leu1192fs)

Gene: ADAMTS13 (ADAM metallopeptidase with thrombospondin type 1 motif 13; plus strand). Cytogenetic location: 9q34.2.
Variant type: Deletion.
Coding change: c.3573del on transcript NM_139027.6 (MANE Select); coding-DNA position 3573, one base deleted (G; older notation c.3573delG).
Protein change: p.Leu1192fs; shifts the reading frame from leucine 1192.
Molecular consequence: frameshift variant. On other transcripts: non-coding transcript variant (1).
Genome position (GRCh38, 1-based): chr9:133,456,568, G deleted; the last of 2 consecutive G bases (chr9:133,456,567-133,456,568); deleting either gives the same sequence. VCF-style (leftmost placement, unchanged base first): chr9-133456566-CG-C. GRCh37 (hg19) VCF-style: chr9-136321688-CG-C.
Other names: c.3741del, p.Leu1248fs (NM_139025.5); c.3480del, p.Leu1161fs (NM_139026.6); short protein forms L1161fs, L1192fs, L1248fs.
Identifiers: ClinVar variation 2704373 (VCV002704373.3), dbSNP rs2490507903, ClinGen allele CA2697558185.